The following is an entry in ClinVar:

ClinVar aggregate classification (germline): Likely benign. Review status: criteria provided, single submitter (1 of 4 stars). 2 submissions from 2 submitters: Likely benign (1). 1 of the submissions does not count toward it. Last evaluated 2025-06-10.

Conditions:
COL11A1-related disorder. Also called: COL11A1-related condition; COL11A1-related disorders.

Allele frequency attached by ClinVar (database versions not stated): gnomAD 0.00001; ExAC 0.00002; gnomAD exomes 0.00002 and 0.00004; TOPMed 0.00003.
gnomAD v4.1: 28 of 1,610,398 alleles (0.0017%); highest among the groups gnomAD compares: Non-Finnish European, 0.0021%; no homozygotes.

Submissions (2):

Labcorp Genetics (formerly Invitae), Labcorp
Classification: Likely benign. Last evaluated: 2025-06-10. Review status: criteria provided, single submitter. Criteria: Invitae Variant Classification Sherloc (09022015). Collection method: clinical testing. Allele origin: germline.

PreventionGenetics, part of Exact Sciences
Classification: Likely benign for COL11A1-related condition. Last evaluated: 2021-05-25. Review status: no assertion criteria provided. Collection method: clinical testing. Allele origin: germline. Not counted in ClinVar's aggregate classification.
Comment: This variant is classified as likely benign based on ACMG/AMP sequence variant interpretation guidelines (Richards et al. 2015 PMID: 25741868, with internal and published modifications).

NM_001854.4(COL11A1):c.792G>A (p.Glu264=)

Gene: COL11A1 (collagen type XI alpha 1 chain; minus strand). Cytogenetic location: 1p21.1.
Variant type: single nucleotide variant.
Coding change: c.792G>A on transcript NM_001854.4 (MANE Select); coding-DNA position 792, G replaced by A.
Protein change: p.Glu264=; no amino-acid change (glutamic acid 264 retained).
Molecular consequence: synonymous variant. On other transcripts: non-coding transcript variant (1), intron variant (2).
Genome position (GRCh38, 1-based): chr1:103,026,321, C>T on the plus strand (G>A on the coding strand, the complement: COL11A1 is on the minus strand). VCF-style: chr1-103026321-C-T. GRCh37 (hg19) VCF-style: chr1-103491877-C-T.
Other names: c.792G>A (NM_001854.3); c.792G>A, p.Glu264= (NM_080630.4); c.781-708G>A (NM_001190709.2); c.781-369G>A (NM_080629.3).
Identifiers: ClinVar variation 1664777 (VCV001664777.10), dbSNP rs755887906, ClinGen allele CA975304.